The following is an entry in ClinVar:

ClinVar aggregate classification (germline): Uncertain significance. Review status: criteria provided, multiple submitters, no conflicts (2 of 4 stars). 4 submissions from 4 submitters: Uncertain significance (4). Last evaluated 2025-01-13.

Conditions:
Cardiovascular phenotype. Identifiers: MedGen CN230736.
Hypertrophic cardiomyopathy. Also called: HYPERTROPHIC MYOCARDIOPATHY. Identifiers: Orphanet 217569, MedGen C0007194, MeSH D002312, MONDO:0005045, HP:0001639.

Submissions (4):

Labcorp Genetics (formerly Invitae), Labcorp
Classification: Uncertain significance for Hypertrophic cardiomyopathy. Last evaluated: 2025-01-13. Review status: criteria provided, single submitter. Criteria: Invitae Variant Classification Sherloc (09022015). Collection method: clinical testing. Allele origin: germline.
Comment: This sequence change replaces lysine, which is basic and polar, with glutamic acid, which is acidic and polar, at codon 502 of the MYH7 protein (p.Lys502Glu). This variant is not present in population databases (gnomAD no frequency). This missense change has been observed in individual(s) with dilated cardiomyopathy (PMID: 37652022; internal data). ClinVar contains an entry for this variant (Variation ID: 228899). Invitae Evidence Modeling of protein sequence and biophysical properties (such as structural, functional, and spatial information, amino acid conservation, physicochemical variation, residue mobility, and thermodynamic stability) indicates that this missense variant is expected to disrupt MYH7 protein function with a positive predictive value of 95%. This variant is found within a region of MYH7 between codons 181 and 937 that contains the majority of the myosin head domain. Missense variants in this region have been shown to be significantly overrepresented in individuals with hypertrophic cardiomyopathy (PMID: 27532257). In summary, the available evidence is currently insufficient to determine the role of this variant in disease. Therefore, it has been classified as a Variant of Uncertain Significance.

GeneDx
Classification: Uncertain significance. Last evaluated: 2024-12-05. Review status: criteria provided, single submitter. Criteria: GeneDx Variant Classification Process June 2021. Collection method: clinical testing. Allele origin: germline. Affected: yes.
Comment: Identified in a patient with DCM in published literature (PMID: 37652022); Not observed at significant frequency in large population cohorts (gnomAD); In silico analysis, which includes protein predictors and evolutionary conservation, supports a deleterious effect; This variant is associated with the following publications: (PMID: 27532257, 29300372, 37652022)

Ambry Genetics
Classification: Uncertain significance for Cardiovascular phenotype. Last evaluated: 2024-11-05. Review status: criteria provided, single submitter. Criteria: Ambry Variant Classification Scheme 2023. Collection method: clinical testing. Allele origin: germline.
Comment: The p.K502E variant (also known as c.1504A>G), located in coding exon 13 of the MYH7 gene, results from an A to G substitution at nucleotide position 1504. The lysine at codon 502 is replaced by glutamic acid, an amino acid with similar properties. This variant has been observed in at least one individual with a personal and/or family history consistent with dilated cardiomyopathy (Mazzarotto F et al. Circulation, 2020 Feb;141:387-398; Ambry internal data). This amino acid position is highly conserved in available vertebrate species. In addition, this alteration is predicted to be deleterious by in silico analysis. Based on the available evidence, the clinical significance of this variant remains unclear.

Laboratory for Molecular Medicine, Mass General Brigham Personalized Medicine
Classification: Uncertain significance. Last evaluated: 2015-03-21. Review status: criteria provided, single submitter. Criteria: LMM Criteria. Collection method: clinical testing. Allele origin: germline. Observed: 1 variant allele.
Comment: Variant classified as Uncertain Significance - Favor Pathogenic. The p.Lys502Glu variant in MYH7 has not been previously reported in individuals with cardiomyop athy or in large population studies. Lysine (Lys) at position 502 is highly cons erved in mammals and across evolutionarily distant species and the change to glu tamic acid (Glu) was predicted to be pathogenic using a computational tool clini cally validated by our laboratory. This tool's pathogenic prediction is estimate d to be correct 94% of the time (Jordan 2011). In summary, while there is some s uspicion for a pathogenic role, the clinical significance of the p.Lys502Glu var iant is uncertain.

Literature cited by the submitters: PubMed 37652022 (cited by Labcorp Genetics (formerly Invitae), Labcorp); PubMed 27532257 (cited by Labcorp Genetics (formerly Invitae), Labcorp); PubMed 31983221 (cited by Ambry Genetics).

NM_000257.4(MYH7):c.1504A>G (p.Lys502Glu)

Gene: MYH7 (myosin heavy chain 7; minus strand). Cytogenetic location: 14q11.2.
Variant type: single nucleotide variant.
Coding change: c.1504A>G on transcript NM_000257.4 (MANE Select); coding-DNA position 1504, A replaced by G.
Protein change: p.Lys502Glu; replaces lysine 502 with glutamic acid.
Molecular consequence: missense variant.
Genome position (GRCh38, 1-based): chr14:23,428,574, T>C on the plus strand (A>G on the coding strand, the complement: MYH7 is on the minus strand). VCF-style: chr14-23428574-T-C. GRCh37 (hg19) VCF-style: chr14-23897783-T-C.
Other names: short protein forms K502E.
Identifiers: ClinVar variation 228899 (VCV000228899.15), dbSNP rs876657877, ClinGen allele CA10576960.